The following is an entry in ClinVar:

NM_000102.4(CYP17A1):c.286C>T (p.Arg96Trp)

Gene: CYP17A1 (cytochrome P450 family 17 subfamily A member 1; minus strand). Cytogenetic location: 10q24.32.
Variant type: single nucleotide variant.
Coding change: c.286C>T on transcript NM_000102.4 (MANE Select); coding-DNA position 286, C replaced by T.
Protein change: p.Arg96Trp; replaces arginine 96 with tryptophan.
Molecular consequence: missense variant.
Genome position (GRCh38, 1-based): chr10:102,837,076, G>A on the plus strand (C>T on the coding strand, the complement: CYP17A1 is on the minus strand). VCF-style: chr10-102837076-G-A. GRCh37 (hg19) VCF-style: chr10-104596833-G-A.
Other names: short protein forms R96W.
Identifiers: ClinVar variation 1785 (VCV000001785.33), dbSNP rs104894138, ClinGen allele CA115183.

ClinVar aggregate classification (germline): Pathogenic/Likely pathogenic. Review status: criteria provided, multiple submitters, no conflicts (2 of 4 stars). 12 submissions from 12 submitters: Pathogenic (9); Likely pathogenic (2). 1 of the submissions does not count toward it. Last evaluated 2026-03-05.

Conditions:
Differences in sex development.
Congenital adrenal hyperplasia. Identifiers: Orphanet 418, MedGen C0001627, MONDO:0018479, HP:0008258.
Deficiency of steroid 17-alpha-monooxygenase. Also called: Congenital adrenal hyperplasia due to 17-alpha-hydroxylase deficiency; Congenital adrenal hyperplasia type 5; 17-ALPHA-HYDROXYLASE DEFICIENCY; 17-alpha-hydroxylase/17,20-lyase deficiency; ADRENAL HYPERPLASIA V. Identifiers: Orphanet 90793, MedGen C0268285, MONDO:0008730, OMIM 202110.
17-alpha-hydroxylase/17,20-lyase deficiency, combined complete. Identifiers: MedGen CN042980, MONDO:0800379.

Allele frequency attached by ClinVar (database versions not stated): gnomAD 0.00006; gnomAD exomes 0.00003; TOPMed 0.00004; ExAC 0.00003.

Submissions (12):

Mendelics
Classification: Pathogenic for Deficiency of steroid 17-alpha-monooxygenase. Last evaluated: 2026-03-05. Review status: criteria provided, single submitter. Criteria: ACMG Guidelines, 2015. Collection method: clinical testing. Allele origin: unknown.
Comment: Likely pathogenic/Pathogenic according to ACMG criteria.

NHS Central & South Genomic Laboratory Hub
Classification: Likely pathogenic for Differences in sex development. Last evaluated: 2025-10-21. Review status: criteria provided, single submitter. Criteria: ACMG Guidelines, 2015. Collection method: clinical testing. Allele origin: germline. Affected: yes.

Natera, Inc.
Classification: Pathogenic for Deficiency of steroid 17-alpha-monooxygenase. Last evaluated: 2025-09-29. Review status: criteria provided, single submitter. Criteria: Natera Variant Classification Schema (03/2026). Collection method: clinical testing. Allele origin: germline.
Comment: The c.286C>T variant in CYP17A1 is a missense variant predicted to cause substitution of arginine to tryptophan at amino acid 96. This variant is rare in the general population with a frequency below the threshold expected for the associated phenotype(s). This variant has been observed in one or more individuals affected with the associated recessive disease, as either homozygous or compound heterozygous with a second variant (PMID: 21340163, 27271787, 33547012). Given the available evidence, this variant is classified as Pathogenic.

Dasa
Classification: Pathogenic. Last evaluated: 2025-07-26. Review status: criteria provided, single submitter. Criteria: DASA Assertion Criteria. Collection method: clinical testing. Allele origin: germline.
Comment: NM_000102.4(CYP17A1):c.286C>T (p.Arg96Trp) is a missense variant that results in the substitution of arginine with tryptophan. The affected residue or protein region has prior evidence supporting clinical relevance. Segregation evidence has been reported in affected families. This variant has been observed in affected individuals with related phenotype in a genotype context consistent with recessive disease (PMID: 8550762; PMID: 10720067; PMID: 21340163; PMID: 28008861). Functional evidence supports a deleterious effect on the gene or gene product (PMID: 8550762; PMID: 10720067; PMID: 21340163; PMID: 28008861). This variant has been recurrently observed in individuals with related phenotype (PMID: 8550762; PMID: 10720067; PMID: 21340163; PMID: 28008861). Multiple computational predictions support a deleterious effect on the gene or gene product. The variant is present at low frequency in population datasets. Based on the available data, this variant is classified as pathogenic.

Labcorp Genetics (formerly Invitae), Labcorp
Classification: Pathogenic. Last evaluated: 2024-09-01. Review status: criteria provided, single submitter. Criteria: Invitae Variant Classification Sherloc (09022015). Collection method: clinical testing. Allele origin: germline.
Comment: This sequence change replaces arginine, which is basic and polar, with tryptophan, which is neutral and slightly polar, at codon 96 of the CYP17A1 protein (p.Arg96Trp). This variant is present in population databases (rs104894138, gnomAD 0.006%). This missense change has been observed in individuals with congenital adrenal hyperplasia (PMID: 8550762, 21340163, 28008861). It has also been observed to segregate with disease in related individuals. ClinVar contains an entry for this variant (Variation ID: 1785). Invitae Evidence Modeling of protein sequence and biophysical properties (such as structural, functional, and spatial information, amino acid conservation, physicochemical variation, residue mobility, and thermodynamic stability) indicates that this missense variant is expected to disrupt CYP17A1 protein function with a positive predictive value of 95%. Experimental studies have shown that this missense change affects CYP17A1 function (PMID: 8550762, 10720067). This variant disrupts the p.Arg96 amino acid residue in CYP17A1. Other variant(s) that disrupt this residue have been determined to be pathogenic (PMID: 16569739, 21846181, 23291414, 23466679, 26543560, 28008861). This suggests that this residue is clinically significant, and that variants that disrupt this residue are likely to be disease-causing. For these reasons, this variant has been classified as Pathogenic.

GeneDx
Classification: Pathogenic. Last evaluated: 2023-03-24. Review status: criteria provided, single submitter. Criteria: GeneDx Variant Classification Process June 2021. Collection method: clinical testing. Allele origin: germline. Affected: yes.
Comment: Published functional studies demonstrate a damaging effect resulting in almost complete loss of enzyme activity (Laflamme et al., 1996; Sahakitrungruang et al., 2009); In silico analysis supports that this missense variant has a deleterious effect on protein structure/function; This variant is associated with the following publications: (PMID: 14671162, 12573489, 19470621, 21340163, 8550762, 31589614, 25697092, 30229581, 29255217, 27271787, 33547012, 29144824, 24485502, 31034465, Mohnach[CaseReport]2018)

Women's Health and Genetics/Laboratory Corporation of America, LabCorp
Classification: Pathogenic for Congenital adrenal hyperplasia. Last evaluated: 2023-01-30. Review status: criteria provided, single submitter. Criteria: LabCorp Variant Classification Summary - May 2015. Collection method: clinical testing. Allele origin: germline.
Comment: Variant summary: CYP17A1 c.286C>T (p.Arg96Trp) results in a non-conservative amino acid change in the encoded protein sequence. Five of five in-silico tools predict a damaging effect of the variant on protein function. The variant allele was found at a frequency of 2.8e-05 in 251326 control chromosomes (gnomAD). c.286C>T has been reported in the literature in multiple individuals affected with Congenital Adrenal Hyperplasia/17 alpha-hydroxylase/17,20-lyase deficiency (e.g. Laflamme_1996, Biason-Lauber_2000, Costenaro_2010). These data indicate that the variant is very likely to be associated with disease. Experimental studies examining the effect of the variant on protein function have shown that it results in an enzyme activity of approximately 10%-30% of the normal WT protein (e.g. Laflamme_1996, Biason-Lauber_2000). Five submitters have provided clinical-significance assessments for this variant to ClinVar after 2014 and all classified the variant as pathogenic. Based on the evidence outlined above, the variant was classified as pathogenic.

Fulgent Genetics
Classification: Pathogenic for Deficiency of steroid 17-alpha-monooxygenase. Last evaluated: 2021-08-17. Review status: criteria provided, single submitter. Criteria: ACMG Guidelines, 2015. Collection method: clinical testing. Allele origin: unknown.

Genetic Services Laboratory, University of Chicago
Classification: Pathogenic for Deficiency of steroid 17-alpha-monooxygenase. Last evaluated: 2016-09-26. Review status: criteria provided, single submitter. Criteria: ACMG Guidelines, 2015. Collection method: clinical testing. Allele origin: germline. Affected: yes.

Center of Excellence of Human Genetics, National Research Center
Classification: Pathogenic for Deficiency of steroid 17-alpha-monooxygenase. Review status: criteria provided, single submitter. Criteria: ACMG Guidelines, 2015. Collection method: clinical testing. Allele origin: germline. Affected: yes. Observed: 1 homozygote.
Comment: The variant has been reported in the literature in multiple individuals affected with Congenital Adrenal Hyperplasia/17 alpha-hydroxylase/17,20-lyase deficiency. Experimental studies have shown that this missense change affects CYP17A1 function (PMID: 8550762, 10720067)

Juno Genomics, Hangzhou Juno Genomics, Inc
Classification: Likely pathogenic for Deficiency of steroid 17-alpha-monooxygenase. Review status: criteria provided, single submitter. Criteria: ACMG Guidelines, 2015. Collection method: clinical testing. Allele origin: germline. Affected: yes.
Comment: Absent from controls (or at extremely low frequency if recessive) in Genome Aggregation Database, Exome Sequencing Project, 1000 Genomes Project, or Exome Aggregation Consortium.;Well-established in vitro or in vivo functional studies supportive of a damaging effect on the gene or gene product.;For recessive disorders, detected in trans with a pathogenic variant.;Patient's phenotype or family history is highly specific for a disease with a single genetic etiology.;Novel missense change at an amino acid residue where a different missense change determined to be pathogenic has been seen before.

OMIM
Classification: Pathogenic for 17-ALPHA-HYDROXYLASE/17,20-LYASE DEFICIENCY, COMBINED COMPLETE. Last evaluated: 2003-12-01. Review status: no assertion criteria provided. Collection method: literature only. Allele origin: germline. Not counted in ClinVar's aggregate classification.

Literature cited by the submitters: PubMed 21340163 (cited by 5 submitters); PubMed 27271787 (cited by Natera, Inc.); PubMed 33547012 (cited by Natera, Inc.); PubMed 8550762 (cited by 5 submitters); PubMed 10720067 (cited by 4 submitters); PubMed 28008861 (cited by Dasa and Labcorp Genetics (formerly Invitae), Labcorp); PubMed 16569739 (cited by Labcorp Genetics (formerly Invitae), Labcorp); PubMed 21846181 (cited by Labcorp Genetics (formerly Invitae), Labcorp); PubMed 23291414 (cited by Labcorp Genetics (formerly Invitae), Labcorp); PubMed 23466679 (cited by Labcorp Genetics (formerly Invitae), Labcorp); PubMed 26543560 (cited by Labcorp Genetics (formerly Invitae), Labcorp); PubMed 14671162 (cited by OMIM).